The following is an entry in ClinVar:

ClinVar aggregate classification (germline): Benign (1 of 4 stars; one submission).

Conditions:
Holoprosencephaly 11 (HPE11). Identifiers: Orphanet 2162, MedGen C3280215, MONDO:0013642, OMIM 614226.

Allele frequency attached by ClinVar (database versions not stated): gnomAD 0.00452 and 0.00490; TOPMed 0.00507; 1000 Genomes Project 30x 0.00468; 1000 Genomes Project 0.00379.

Submission:

Illumina Laboratory Services, Illumina
Classification: Benign for Holoprosencephaly 11. Last evaluated: 2018-01-13. Review status: criteria provided, single submitter. Criteria: ICSL Variant Classification Criteria 13 December 2019. Collection method: clinical testing. Allele origin: germline.
Comment: This variant was observed in the ICSL laboratory as part of a predisposition screen in an ostensibly healthy population. It had not been previously curated by ICSL or reported in the Human Gene Mutation Database (HGMD: prior to June 1st, 2018), and was therefore a candidate for classification through an automated scoring system. Utilizing variant allele frequency, disease prevalence and penetrance estimates, and inheritance mode, an automated score was calculated to assess if this variant is too frequent to cause the disease. Based on the score and internal cut-off values, a variant classified as benign is not then subjected to further curation. The score for this variant resulted in a classification of benign for this disease.

NM_001378964.1(CDON):c.*2992T>C

Gene: CDON (cell adhesion associated, oncogene regulated; minus strand). Cytogenetic location: 11q24.2.
Variant type: single nucleotide variant.
Coding change: c.*2992T>C on transcript NM_001378964.1 (MANE Select); 2992 bases downstream of the stop codon, T replaced by C.
Molecular consequence: 3 prime UTR variant.
Genome position (GRCh38, 1-based): chr11:125,957,950, A>G on the plus strand (T>C on the coding strand, the complement: CDON is on the minus strand). VCF-style: chr11-125957950-A-G. GRCh37 (hg19) VCF-style: chr11-125827845-A-G.
Other names: c.*2992T>C (NM_001243597.3, NM_016952.6).
Identifiers: ClinVar variation 303396 (VCV000303396.5), dbSNP rs116579152, ClinGen allele CA10638281.